The following is an entry in ClinVar:

NM_001198800.3(ASCC1):c.411del (p.Ala138fs)

Gene: ASCC1 (activating signal cointegrator 1 complex subunit 1; minus strand). Cytogenetic location: 10q22.1.
Variant type: Deletion.
Coding change: c.411del on transcript NM_001198800.3 (MANE Select); coding-DNA position 411, one base deleted (T; older notation c.411delT).
Protein change: p.Ala138fs; shifts the reading frame from alanine 138.
Molecular consequence: frameshift variant. On other transcripts: non-coding transcript variant (1).
Genome position (GRCh38, 1-based): chr10:72,196,889, A deleted on the plus strand (T on the coding strand, the reverse complement: ASCC1 is on the minus strand); the first of 2 consecutive A bases (chr10:72,196,889-72,196,890); deleting either gives the same sequence. VCF-style (leftmost placement, unchanged base first): chr10-72196888-CA-C. GRCh37 (hg19) VCF-style: chr10-73956646-CA-C.
Other names: c.411del, p.Ala138fs (NM_001198798.2, NM_001369087.1, NM_001369088.1 and 18 more transcripts); c.495del, p.Ala166fs (NM_001198799.3); c.477del, p.Ala160fs (NM_001369085.1, NM_001369086.1, NM_001369099.1); c.294del, p.Ala99fs (NM_001369101.1, NM_001369102.1, NM_001369105.1 and 2 more transcripts); short protein forms A138fs, A160fs, A166fs, A99fs.
Identifiers: ClinVar variation 3764612 (VCV003764612.1).

ClinVar aggregate classification (germline): Pathogenic (1 of 4 stars; one submission).

Conditions:
ASCC1-related disorder. Also called: ASCC1-Related Disorders; ASCC1-related condition.

Submission:

Daryl Scott Lab, Baylor College of Medicine
Classification: Pathogenic for ASCC1-related disorder. Last evaluated: 2024-01-01. Review status: criteria provided, single submitter. Criteria: ACMG Guidelines, 2015. Collection method: clinical testing. Allele origin: biparental. Affected: yes. Observed: 1 homozygote.
Comment: PVS1, PM2